The following is an entry in ClinVar:

ClinVar aggregate classification (germline): Uncertain significance (1 of 4 stars; one submission).

Conditions:
Deficiency of aromatic-L-amino-acid decarboxylase. Also called: AADC DEFICIENCY; DDC DEFICIENCY; DOPA DECARBOXYLASE DEFICIENCY; Aromatic amino acid decarboxylase deficiency; Aromatic L-Amino Acid Decarboxylase Deficiency. Identifiers: Orphanet 35708, MedGen C1291564, MONDO:0012084, OMIM 608643.

Submission:

Labcorp Genetics (formerly Invitae), Labcorp
Classification: Uncertain significance for Deficiency of aromatic-L-amino-acid decarboxylase. Last evaluated: 2021-11-04. Review status: criteria provided, single submitter. Criteria: Invitae Variant Classification Sherloc (09022015). Collection method: clinical testing. Allele origin: germline.
Comment: This sequence change replaces phenylalanine, which is neutral and non-polar, with serine, which is neutral and polar, at codon 299 of the DDC protein (p.Phe299Ser). This variant is not present in population databases (gnomAD no frequency). This variant has not been reported in the literature in individuals affected with DDC-related conditions. Algorithms developed to predict the effect of missense changes on protein structure and function (SIFT, PolyPhen-2, Align-GVGD) all suggest that this variant is likely to be disruptive. In summary, the available evidence is currently insufficient to determine the role of this variant in disease. Therefore, it has been classified as a Variant of Uncertain Significance.

NM_001082971.2(DDC):c.896T>C (p.Phe299Ser)

Gene: DDC (dopa decarboxylase; minus strand). Cytogenetic location: 7p12.2.
Variant type: single nucleotide variant.
Coding change: c.896T>C on transcript NM_001082971.2 (MANE Select); coding-DNA position 896, T replaced by C.
Protein change: p.Phe299Ser; replaces phenylalanine 299 with serine.
Molecular consequence: missense variant.
Genome position (GRCh38, 1-based): chr7:50,495,398, A>G on the plus strand (T>C on the coding strand, the complement: DDC is on the minus strand). VCF-style: chr7-50495398-A-G. GRCh37 (hg19) VCF-style: chr7-50563096-A-G.
Other names: c.896T>C, p.Phe299Ser (NM_000790.4, NM_001242890.2); c.782T>C, p.Phe261Ser (NM_001242886.2); c.752T>C, p.Phe251Ser (NM_001242887.2); c.662T>C, p.Phe221Ser (NM_001242888.2); c.617T>C, p.Phe206Ser (NM_001242889.2); short protein forms F221S, F261S, F206S, F299S, F251S.
Identifiers: ClinVar variation 1420920 (VCV001420920.6), dbSNP rs2153538978, ClinGen allele CA367538134.
Genomic context (GRCh38, chr7:50,495,398, plus strand): 5'-AGGGAAACTTACCACATGGCAGAACAGTCAAAATTCACCAATAGCCATTTGTGGGGATTA[A>G]AGTTGAATGAATCTGCAAACTGCCAAAGAACAAGAGTAAGAAAAAGAAAACATTTTCTTT-3'
Protein context (NP_001076440.2, residues 289-309): NGVEFADSFN[Phe299Ser]NPHKWLLVNF